The following is an entry in ClinVar:

NM_001009999.3(KDM1A):c.2023G>A (p.Val675Ile)

Gene: KDM1A (lysine demethylase 1A; plus strand). Cytogenetic location: 1p36.12.
Variant type: single nucleotide variant.
Coding change: c.2023G>A on transcript NM_001009999.3 (MANE Select); coding-DNA position 2023, G replaced by A.
Protein change: p.Val675Ile; replaces valine 675 with isoleucine.
Molecular consequence: missense variant.
Genome position (GRCh38, 1-based): chr1:23,079,145, G>A. VCF-style: chr1-23079145-G-A. GRCh37 (hg19) VCF-style: chr1-23405638-G-A.
Other names: c.1969G>A, p.Val657Ile (NM_001363654.2); c.2029G>A, p.Val677Ile (NM_001410762.1); c.1951G>A, p.Val651Ile (NM_001410763.1, NM_015013.4); short protein forms V651I, V657I, V675I, V677I.
Identifiers: ClinVar variation 3863263 (VCV003863263.1).
Genomic context (GRCh38, chr1:23,079,145, plus strand): 5'-AAGCAGCAGCCACCAGCCGTTCAGTTTGTGCCACCTCTCCCTGAGTGGAAAACATCTGCA[G>A]TCCAAAGGATGGGATTTGGCAACCTTAACAAGGTAGCTTGCCCTAGACACTCCTGTCTAC-3'
Protein context (NP_001009999.1, residues 665-685): PPLPEWKTSA[Val675Ile]QRMGFGNLNK

ClinVar aggregate classification (germline): Uncertain significance (1 of 4 stars; one submission).

Conditions:
Inborn genetic diseases. Identifiers: MedGen C0950123, MeSH D030342.

Submission:

Ambry Genetics
Classification: Uncertain significance for Inborn genetic diseases. Last evaluated: 2025-01-13. Review status: criteria provided, single submitter. Criteria: Ambry Variant Classification Scheme 2023. Collection method: clinical testing. Allele origin: germline.
Comment: The p.V675I variant (also known as c.2023G>A), located in coding exon 17 of the KDM1A gene, results from a G to A substitution at nucleotide position 2023. The valine at codon 675 is replaced by isoleucine, an amino acid with highly similar properties. This amino acid position is conserved. In addition, this alteration is predicted to be tolerated by in silico analysis. Based on the available evidence, the clinical significance of this variant remains unclear.